The following is an entry in ClinVar:

ClinVar aggregate classification (germline): Pathogenic. Review status: no assertion criteria provided (0 of 4 stars). 2 submissions from 2 submitters: Pathogenic (1). 1 of the submissions does not count toward it. Last evaluated 2005-11-01.

Conditions:
Lethal tight skin contracture syndrome. Also called: HYPERKERATOSIS-CONTRACTURE SYNDROME; RESTRICTIVE DERMOPATHY, LETHAL; Restrictive dermopathy; FETAL HYPOKINESIA SEQUENCE DUE TO RESTRICTIVE DERMOPATHY. Identifiers: Orphanet 1662, MedGen C0406585, MONDO:0031213.

Submissions (2):

OMIM
Classification: Pathogenic for RESTRICTIVE DERMOPATHY, LETHAL. Last evaluated: 2005-11-01. Review status: no assertion criteria provided. Collection method: literature only. Allele origin: germline.

ZMPSTE24 homepage - Leiden Muscular Dystrophy pages
No classification provided. Review status: no classification provided. Collection method: not provided. Allele origin: germline. Not counted in ClinVar's aggregate classification.
Comment: has functional consequence

Literature cited by the submitters: PubMed 16297189 (cited by OMIM).

NM_005857.5(ZMPSTE24):c.591dup (p.Ile198fs)

Gene: ZMPSTE24 (zinc metallopeptidase STE24; plus strand). Cytogenetic location: 1p34.2.
Variant type: Duplication.
Coding change: c.591dup on transcript NM_005857.5 (MANE Select); coding-DNA position 591, one base duplicated (T; older notation c.591dupT).
Protein change: p.Ile198fs; shifts the reading frame from isoleucine 198.
Molecular consequence: frameshift variant.
Genome position (GRCh38, 1-based): chr1:40,270,091, T duplicated; the last of 7 consecutive T bases (chr1:40,270,085-40,270,091); duplicating any one gives the same sequence. VCF-style (leftmost placement, unchanged base first): chr1-40270084-A-AT. GRCh37 (hg19) VCF-style: chr1-40735756-A-AT.
Other names: c.591dup, p.Ile198Tyrfs (LRG_212t1); short protein forms I198fs.
Identifiers: ClinVar variation 30585 (VCV000030585.1), dbSNP rs281875367, ClinGen allele CA129355.